The following is an entry in ClinVar:

ClinVar aggregate classification (germline): Uncertain significance. Review status: criteria provided, multiple submitters, no conflicts (2 of 4 stars). 2 submissions from 2 submitters: Uncertain significance (2). Last evaluated 2025-06-12.

Conditions:
Hereditary cancer-predisposing syndrome. Also called: Hereditary neoplastic syndrome; Neoplastic Syndromes, Hereditary; Tumor predisposition; Hereditary Cancer Syndrome. Identifiers: Orphanet 140162, MedGen C0027672, MeSH D009386, MONDO:0015356.
Neuroblastoma, susceptibility to, 3. Also called: ALK-Related Neuroblastic Tumor Susceptibility. Identifiers: Orphanet 635, MedGen C2751681, MONDO:0013083, OMIM 613014.

Submissions (2):

Ambry Genetics
Classification: Uncertain significance for Hereditary cancer-predisposing syndrome. Last evaluated: 2025-06-12. Review status: criteria provided, single submitter. Criteria: Ambry Variant Classification Scheme 2023. Collection method: clinical testing. Allele origin: germline.
Comment: The p.A298V variant (also known as c.893C>T), located in coding exon 3 of the ALK gene, results from a C to T substitution at nucleotide position 893. The alanine at codon 298 is replaced by valine, an amino acid with similar properties. This amino acid position is well conserved in available vertebrate species. In addition, this alteration is predicted to be tolerated by in silico analysis. Based on the available evidence, the clinical significance of this variant remains unclear.

Labcorp Genetics (formerly Invitae), Labcorp
Classification: Uncertain significance for Neuroblastoma, susceptibility to, 3. Last evaluated: 2017-05-27. Review status: criteria provided, single submitter. Criteria: Invitae Variant Classification Sherloc (09022015). Collection method: clinical testing. Allele origin: germline.
Comment: This variant is not present in population databases (ExAC no frequency). In summary, this variant has uncertain impact on ALK function. The available evidence is currently insufficient to determine its role in disease. Therefore, it has been classified as a Variant of Uncertain Significance. Algorithms developed to predict the effect of missense changes on protein structure and function do not agree on the potential impact of this missense change (SIFT: "Deleterious"; PolyPhen-2: "Benign"; Align-GVGD: "Class C0"). This variant has not been reported in the literature in individuals with a ALK-related disease. This sequence change replaces alanine with valine at codon 298 of the ALK protein (p.Ala298Val). The alanine residue is moderately conserved and there is a small physicochemical difference between alanine and valine.

NM_004304.5(ALK):c.893C>T (p.Ala298Val)

Gene: ALK (ALK receptor tyrosine kinase; minus strand). Cytogenetic location: 2p23.2.
Variant type: single nucleotide variant.
Coding change: c.893C>T on transcript NM_004304.5 (MANE Select); coding-DNA position 893, C replaced by T.
Protein change: p.Ala298Val; replaces alanine 298 with valine.
Molecular consequence: missense variant.
Genome position (GRCh38, 1-based): chr2:29,694,909, G>A on the plus strand (C>T on the coding strand, the complement: ALK is on the minus strand). VCF-style: chr2-29694909-G-A. GRCh37 (hg19) VCF-style: chr2-29917775-G-A.
Other names: short protein forms A298V.
Identifiers: ClinVar variation 470905 (VCV000470905.9), dbSNP rs750435024, ClinGen allele CA346586923.